The following is an entry in ClinVar:

NC_000006.11:g.(?_32006191)_(32007983_32008182)dup

Gene: CYP21A2 (cytochrome P450 family 21 subfamily A member 2; plus strand). Cytogenetic location: 6p21.33.
Variant type: Duplication.
Identifiers: ClinVar variation 3895664 (VCV003895664.1).

ClinVar aggregate classification (germline): Uncertain significance (1 of 4 stars; one submission).

Submission:

Women's Health and Genetics/Laboratory Corporation of America, LabCorp
Classification: Uncertain significance. Last evaluated: 2025-03-13. Review status: criteria provided, single submitter. Criteria: LabCorp Variant Classification Summary - May 2015. Collection method: clinical testing. Allele origin: germline.
Comment: Variant summary: The variant involves the duplication of exons 1-7 in the CYP21A2 gene. A presumed nomenclature of c.(?_-9)_(939+1_940-1)dup has been designated for the purposes of this classification. The exact breakpoint at the 5' end of this variant is unknown, therefore this duplication may extend upstream of the annotated region of this gene. It is predicted to duplicate a segment including the initiation codon, therefore its impact on the encoded protein is unknown. The variant was absent in 21694 control chromosomes. The available data on variant occurrences in the general population are insufficient to allow any conclusion about variant significance. To our knowledge, no occurrence of c.(?_-9)_(939+1_940-1)dup in individuals affected with Congenital Adrenal Hyperplasia and no experimental evidence demonstrating its impact on protein function have been reported. No submitters have cited clinical-significance assessments for this variant to ClinVar. Based on the evidence outlined above, the variant was classified as uncertain significance.